The following is an entry in ClinVar:

NM_000384.3(APOB):c.8655C>A (p.Ser2885Arg)

Gene: APOB (apolipoprotein B; minus strand). Cytogenetic location: 2p24.1.
Variant type: single nucleotide variant.
Coding change: c.8655C>A on transcript NM_000384.3 (MANE Select); coding-DNA position 8655, C replaced by A.
Protein change: p.Ser2885Arg; replaces serine 2885 with arginine.
Molecular consequence: missense variant.
Genome position (GRCh38, 1-based): chr2:21,008,213, G>T on the plus strand (C>A on the coding strand, the complement: APOB is on the minus strand). VCF-style: chr2-21008213-G-T. GRCh37 (hg19) VCF-style: chr2-21231085-G-T.
Other names: short protein forms S2885R.
Identifiers: ClinVar variation 919011 (VCV000919011.14), dbSNP rs1663204131, ClinGen allele CA345993661.

ClinVar aggregate classification (germline): Uncertain significance. Review status: criteria provided, multiple submitters, no conflicts (2 of 4 stars). 3 submissions from 3 submitters: Uncertain significance (3). Last evaluated 2025-02-14.

Conditions:
Cardiovascular phenotype. Identifiers: MedGen CN230736.
Familial hypobetalipoproteinemia 1. Also called: Hypobetalipoproteinemia, normotriglyceridemic; Acanthocytosis with hypobetalipoproteinemia; APOB-Related Familial Hypobetalipoproteinemia. Identifiers: MedGen C4551990, MONDO:0014252, OMIM 615558.
Hypercholesterolemia, autosomal dominant, type B (FHCL2). Also called: Familial Hypercholesterolemia Type B; HYPERCHOLESTEROLEMIA, FAMILIAL, DUE TO LIGAND-DEFECTIVE APOLIPOPROTEIN B; Familial hypercholesterolemia 2; APOB-Related Familial Hypercholesterolemia, Autosomal Dominant; APOLIPOPROTEIN B-100, FAMILIAL DEFECTIVE; APOLIPOPROTEIN B-100, FAMILIAL LIGAND-DEFECTIVE. Identifiers: MedGen C1704417, MONDO:0007751, OMIM 144010.

Allele frequency attached by ClinVar (database versions not stated): gnomAD exomes below 0.00001.

Submissions (3):

GeneDx
Classification: Uncertain significance. Last evaluated: 2025-02-14. Review status: criteria provided, single submitter. Criteria: GeneDx Variant Classification Process June 2021. Collection method: clinical testing. Allele origin: germline. Affected: yes.
Comment: Not observed at significant frequency in large population cohorts (gnomAD); In silico analysis supports that this missense variant has a deleterious effect on protein structure/function; Has not been previously published as pathogenic or benign to our knowledge

Ambry Genetics
Classification: Uncertain significance for Cardiovascular phenotype. Last evaluated: 2024-10-07. Review status: criteria provided, single submitter. Criteria: Ambry Variant Classification Scheme 2023. Collection method: clinical testing. Allele origin: germline.

Labcorp Genetics (formerly Invitae), Labcorp
Classification: Uncertain significance for Familial hypobetalipoproteinemia 1; Hypercholesterolemia, autosomal dominant, type B. Last evaluated: 2022-03-23. Review status: criteria provided, single submitter. Criteria: Invitae Variant Classification Sherloc (09022015). Collection method: clinical testing. Allele origin: germline.
Comment: This sequence change replaces serine, which is neutral and polar, with arginine, which is basic and polar, at codon 2885 of the APOB protein (p.Ser2885Arg). This variant is not present in population databases (gnomAD no frequency). This variant has not been reported in the literature in individuals affected with APOB-related conditions. ClinVar contains an entry for this variant (Variation ID: 919011). Algorithms developed to predict the effect of missense changes on protein structure and function are either unavailable or do not agree on the potential impact of this missense change (SIFT: "Deleterious"; PolyPhen-2: "Possibly Damaging"; Align-GVGD: "Class C0"). In summary, the available evidence is currently insufficient to determine the role of this variant in disease. Therefore, it has been classified as a Variant of Uncertain Significance.